The following is an entry in ClinVar:

NM_018714.3(COG1):c.494G>A (p.Arg165Gln)

Gene: COG1 (component of oligomeric golgi complex 1; plus strand). Cytogenetic location: 17q25.1.
Variant type: single nucleotide variant.
Coding change: c.494G>A on transcript NM_018714.3 (MANE Select); coding-DNA position 494, G replaced by A.
Protein change: p.Arg165Gln; replaces arginine 165 with glutamine.
Molecular consequence: missense variant.
Genome position (GRCh38, 1-based): chr17:73,196,685, G>A. VCF-style: chr17-73196685-G-A. GRCh37 (hg19) VCF-style: chr17-71192824-G-A.
Other names: c.494G>A (NM_018714.2); short protein forms R165Q.
Identifiers: ClinVar variation 1026651 (VCV001026651.9), dbSNP rs777018719, ClinGen allele CA8739971.
Genomic context (GRCh38, chr17:73,196,685, plus strand): 5'-AGCTCTACCTGCTCTGCTGCCACCTCCACAGCCTGCTCCAGCTGGATTCTTCTAGTTCCC[G>A]ATACAGTCCCGTCCTCTCCCGGTTTCCTATACTCATCCGGCAGGTGGCAGCCGCCAGCCA-3'
Protein context (NP_061184.1, residues 155-175): SLLQLDSSSS[Arg165Gln]YSPVLSRFPI

ClinVar aggregate classification (germline): Uncertain significance. Review status: criteria provided, multiple submitters, no conflicts (2 of 4 stars). 2 submissions from 2 submitters: Uncertain significance (2). Last evaluated 2025-09-25.

Conditions:
Inborn genetic diseases. Identifiers: MedGen C0950123, MeSH D030342.
COG1 congenital disorder of glycosylation (CDG2G). Also called: CONGENITAL DISORDER OF GLYCOSYLATION, TYPE IIg; CDG IIg; CDGII/COG1 CEREBROCOSTOMANDIBULAR-LIKE SYNDROME. Identifiers: Orphanet 263508, MedGen C2931011, MONDO:0012637, OMIM 611209.

Allele frequency attached by ClinVar (database versions not stated): gnomAD below 0.00001 and 0.00001; TOPMed 0.00002.
gnomAD v4.1: 29 of 1,614,034 alleles (0.0018%); highest among the groups gnomAD compares: South Asian, 0.0088%; no homozygotes.

Submissions (2):

Ambry Genetics
Classification: Uncertain significance for Inborn genetic diseases. Last evaluated: 2025-09-25. Review status: criteria provided, single submitter. Criteria: Ambry Variant Classification Scheme 2023. Collection method: clinical testing. Allele origin: germline.

Labcorp Genetics (formerly Invitae), Labcorp
Classification: Uncertain significance for COG1 congenital disorder of glycosylation. Last evaluated: 2024-11-18. Review status: criteria provided, single submitter. Criteria: Invitae Variant Classification Sherloc (09022015). Collection method: clinical testing. Allele origin: germline.
Comment: This sequence change replaces arginine, which is basic and polar, with glutamine, which is neutral and polar, at codon 165 of the COG1 protein (p.Arg165Gln). This variant is present in population databases (rs777018719, gnomAD 0.009%). This variant has not been reported in the literature in individuals affected with COG1-related conditions. ClinVar contains an entry for this variant (Variation ID: 1026651). An algorithm developed to predict the effect of missense changes on protein structure and function outputs the following: PolyPhen-2: "Benign". The glutamine amino acid residue is found in multiple mammalian species, which suggests that this missense change does not adversely affect protein function. In summary, the available evidence is currently insufficient to determine the role of this variant in disease. Therefore, it has been classified as a Variant of Uncertain Significance.